The following is an entry in ClinVar:

NM_000260.4(MYO7A):c.1201-2A>C

Gene: MYO7A (myosin VIIA; plus strand). Cytogenetic location: 11q13.5.
Variant type: single nucleotide variant.
Coding change: c.1201-2A>C on transcript NM_000260.4 (MANE Select); the canonical splice acceptor site of the intron before coding-DNA position 1201, A replaced by C.
Molecular consequence: splice acceptor variant.
Genome position (GRCh38, 1-based): chr11:77,160,971, A>C. VCF-style: chr11-77160971-A-C. GRCh37 (hg19) VCF-style: chr11-76872017-A-C.
Other names: c.1168-2A>C (NM_001369365.1); c.1201-2A>C (NM_001127180.2).
Identifiers: ClinVar variation 3601449 (VCV003601449.1).

ClinVar aggregate classification (germline): Likely pathogenic (1 of 4 stars; one submission).

Conditions:
Autosomal recessive nonsyndromic hearing loss 2. Also called: NEUROSENSORY NONSYNDROMIC RECESSIVE DEAFNESS 2; DEAFNESS, AUTOSOMAL RECESSIVE 2. Identifiers: Orphanet 90636, MedGen C1838701, MONDO:0010807, OMIM 600060.

Submission:

Institute of Rare Diseases, West China Hospital, Sichuan University
Classification: Likely pathogenic for Autosomal recessive nonsyndromic hearing loss 2. Last evaluated: 2025-01-09. Review status: criteria provided, single submitter. Criteria: ClinGen HL ACMG Specifications v1. Collection method: research. Allele origin: germline. Affected: yes.
Comment: PVS1;PM2_Supporting